The following is an entry in ClinVar:

ClinVar aggregate classification (germline): Conflicting classifications of pathogenicity. Review status: criteria provided, conflicting classifications (1 of 4 stars). 4 submissions from 4 submitters: Uncertain significance (2); Likely benign (2). Last evaluated 2026-03-24.

Conditions:
Familial sleep-related hypermotor epilepsy. Also called: Autosomal Dominant Sleep-Related Hypermotor (Hyperkinetic) Epilepsy. Identifiers: Orphanet 98784, MedGen C3696898, MONDO:0000030.
Autosomal dominant nocturnal frontal lobe epilepsy 4. Also called: EPILEPSY, FAMILIAL, WITH NOCTURNAL WANDERING AND ICTAL FEAR; CHRNA2-Related Nocturnal Frontal Lobe Epilepsy, Autosomal Dominant. Identifiers: Orphanet 98784, MedGen C1835905, MONDO:0012474, OMIM 610353.

Allele frequency attached by ClinVar (database versions not stated): TOPMed 0.00002.

Submissions (4):

Women's Health and Genetics/Laboratory Corporation of America, LabCorp
Classification: Likely benign. Last evaluated: 2026-03-24. Review status: criteria provided, single submitter. Criteria: LabCorp Variant Classification Summary - May 2015. Collection method: clinical testing. Allele origin: germline.
Comment: Variant summary: CHRNA2 c.1063C>T (p.Arg355Cys) results in a non-conservative amino acid change in the encoded protein sequence. Algorithms developed to predict the effect of missense changes on protein structure and function all suggest that this variant is likely to be disruptive. The variant allele was found at a frequency of 1.6e-05 in 250686 control chromosomes in the gnomAD v2 database, and a total of 50 heterozygotes of this variant were observed in the gnomAD v4 database. To our knowledge, no occurrence of c.1063C>T in individuals affected with CHRNA2-related conditions and no experimental evidence demonstrating its impact on protein function have been reported. ClinVar contains an entry for this variant (Variation ID: 939252). Based on the evidence outlined above, the variant was classified as likely benign.

Labcorp Genetics (formerly Invitae), Labcorp
Classification: Likely benign. Last evaluated: 2025-02-17. Review status: criteria provided, single submitter. Criteria: Invitae Variant Classification Sherloc (09022015). Collection method: clinical testing. Allele origin: germline.

Blueprint Genetics
Classification: Uncertain significance. Last evaluated: 2023-02-09. Review status: criteria provided, single submitter. Criteria: ACMG Guidelines, 2015. Collection method: clinical testing. Allele origin: germline.

New York Genome Center
Classification: Uncertain significance for Autosomal dominant nocturnal frontal lobe epilepsy 4. Last evaluated: 2020-01-31. Review status: criteria provided, single submitter. Criteria: NYGC Assertion Criteria 2020. Collection method: clinical testing. Allele origin: inherited. Observed: 1 heterozygote. Study: CSER-NYCKidSeq.
Comment: The c.1063C>T, p.Arg355Cys missense variant in the CHRNA2 gene has not been reported in the available literature. The variant has a 0.0015% allele frequency in the gnomAD database (4 out of 250,686 heterozygous alleles), indicating this is a rare allele. In silico tools, support a deleterious effect on the gene or gene product. Based on the available evidence, the c.1063C>T, p.Arg355Cys missense variant in the CHRNA2 gene is classified as a variant of uncertain significance

NM_000742.4(CHRNA2):c.1063C>T (p.Arg355Cys)

Gene: CHRNA2 (cholinergic receptor nicotinic alpha 2 subunit; minus strand). Cytogenetic location: 8p21.2.
Variant type: single nucleotide variant.
Coding change: c.1063C>T on transcript NM_000742.4 (MANE Select); coding-DNA position 1063, C replaced by T.
Protein change: p.Arg355Cys; replaces arginine 355 with cysteine.
Molecular consequence: missense variant.
Genome position (GRCh38, 1-based): chr8:27,463,380, G>A on the plus strand (C>T on the coding strand, the complement: CHRNA2 is on the minus strand). VCF-style: chr8-27463380-G-A. GRCh37 (hg19) VCF-style: chr8-27320897-G-A.
Other names: c.1018C>T, p.Arg340Cys (NM_001282455.2); c.586C>T, p.Arg196Cys (NM_001347705.2, NM_001347706.2); c.469C>T, p.Arg157Cys (NM_001347707.2, NM_001347708.2); short protein forms R340C, R355C, R157C, R196C.
Identifiers: ClinVar variation 939252 (VCV000939252.10), dbSNP rs56339365, ClinGen allele CA4689539.